The following is an entry in ClinVar:

ClinVar aggregate classification (germline): Uncertain significance (1 of 4 stars; one submission).

Conditions:
PKD1-related disorder. Also called: PKD1-related condition.

Submission:

PreventionGenetics, part of Exact Sciences
Classification: Uncertain significance for PKD1-related condition. Last evaluated: 2023-07-19. Review status: criteria provided, single submitter. Criteria: ACMG Guidelines, 2015. Collection method: clinical testing. Allele origin: germline.
Comment: The PKD1 c.3292C>A variant is predicted to result in the amino acid substitution p.Pro1098Thr. To our knowledge, this variant has not been reported in the literature or in a large population database, indicating this variant is rare. At this time, the clinical significance of this variant is uncertain due to the absence of conclusive functional and genetic evidence.

NM_001009944.3(PKD1):c.3292C>A (p.Pro1098Thr)

Gene: PKD1 (polycystin 1, transient receptor potential channel interacting; minus strand). Cytogenetic location: 16p13.3.
Variant type: single nucleotide variant.
Coding change: c.3292C>A on transcript NM_001009944.3 (MANE Select); coding-DNA position 3292, C replaced by A.
Protein change: p.Pro1098Thr; replaces proline 1098 with threonine.
Molecular consequence: missense variant.
Genome position (GRCh38, 1-based): chr16:2,112,343, G>T on the plus strand (C>A on the coding strand, the complement: PKD1 is on the minus strand). VCF-style: chr16-2112343-G-T. GRCh37 (hg19) VCF-style: chr16-2162344-G-T.
Other names: c.3292C>A, p.Pro1098Thr (NM_000296.4); short protein forms P1098T.
Identifiers: ClinVar variation 2631302 (VCV002631302.1), dbSNP rs1348467197, ClinGen allele CA394383386.